The following is an entry in ClinVar:

NM_004415.4(DSP):c.63G>T (p.Glu21Asp)

Genes: DSP (desmoplakin; plus strand), DSP-AS1 (DSP antisense RNA 1; minus strand). Cytogenetic location: 6p24.3.
Variant type: single nucleotide variant.
Coding change: c.63G>T on transcript NM_004415.4 (MANE Select); coding-DNA position 63, G replaced by T.
Protein change: p.Glu21Asp; replaces glutamic acid 21 with aspartic acid.
Molecular consequence: missense variant.
Genome position (GRCh38, 1-based): chr6:7,541,978, G>T. VCF-style: chr6-7541978-G-T. GRCh37 (hg19) VCF-style: chr6-7542211-G-T.
Other names: c.63G>T, p.Glu21Asp (NM_001008844.3, NM_001319034.2, NM_001406591.1); short protein forms E21D.
Identifiers: ClinVar variation 3070098 (VCV003070098.1), dbSNP rs770404661, ClinGen allele CA047575.

ClinVar aggregate classification (germline): Uncertain significance (1 of 4 stars; one submission).

Conditions:
Arrhythmogenic cardiomyopathy with wooly hair and keratoderma. Also called: Carvajal syndrome; PALMOPLANTAR KERATODERMA WITH LEFT VENTRICULAR CARDIOMYOPATHY AND WOOLLY HAIR; Dilated cardiomyopathy with woolly hair and keratoderma; Arrhythmogenic cardiomyopathy with woolly hair and keratoderma. Identifiers: Orphanet 65282, MedGen C1854063, MONDO:0011581, OMIM 605676.

Allele frequency attached by ClinVar (database versions not stated): ExAC 0.00002.
gnomAD v4.1: 4 of 1,605,014 alleles (0.00025%); highest among the groups gnomAD compares: Non-Finnish European, 0.00025%; no homozygotes.

Submission:

All of Us Research Program, National Institutes of Health
Classification: Uncertain significance for Arrhythmogenic cardiomyopathy with wooly hair and keratoderma. Last evaluated: 2023-04-03. Review status: criteria provided, single submitter. Criteria: ACMG Guidelines, 2015. Collection method: clinical testing. Allele origin: germline. Inheritance: Autosomal dominant inheritance. Observed: 1 variant allele, 1 heterozygote.
Comment: This missense variant replaces glutamic acid with aspartic acid at codon 21 of the DSP protein. Computational prediction suggests that this variant may not impact protein structure and function (internally defined REVEL score threshold <= 0.5, PMID: 27666373). To our knowledge, functional studies have not been reported for this variant. This variant has not been reported in individuals affected with DSP-related disorders in the literature. This variant has been identified in 1/223006 chromosomes in the general population by the Genome Aggregation Database (gnomAD). The available evidence is insufficient to determine the role of this variant in disease conclusively. Therefore, this variant is classified as a Variant of Uncertain Significance.

This study involves interpretation of variants in research participants for the purpose of population health screening. Participant phenotype was not available at the time of variant classification. Additional details can be found in publication PMID: 35346344, PMCID: PMC8962531